The following is an entry in ClinVar:

ClinVar aggregate classification (germline): Uncertain significance (1 of 4 stars; one submission).

Submission:

Labcorp Genetics (formerly Invitae), Labcorp
Classification: Uncertain significance. Last evaluated: 2024-04-16. Review status: criteria provided, single submitter. Criteria: Invitae Variant Classification Sherloc (09022015). Collection method: clinical testing. Allele origin: germline.
Comment: This sequence change creates a premature translational stop signal (p.Ser871Phefs*7) in the ALPK1 gene. It is expected to result in an absent or disrupted protein product. However, the current clinical and genetic evidence is not sufficient to establish whether loss-of-function variants in ALPK1 cause disease. This variant is not present in population databases (gnomAD no frequency). This variant has not been reported in the literature in individuals affected with ALPK1-related conditions. In summary, the available evidence is currently insufficient to determine the role of this variant in disease. Therefore, it has been classified as a Variant of Uncertain Significance.

NM_025144.4(ALPK1):c.2612del (p.Ser871fs)

Gene: ALPK1 (alpha kinase 1; plus strand). Cytogenetic location: 4q25.
Variant type: Deletion.
Coding change: c.2612del on transcript NM_025144.4 (MANE Select); coding-DNA position 2612, one base deleted (C; older notation c.2612delC).
Protein change: p.Ser871fs; shifts the reading frame from serine 871.
Molecular consequence: frameshift variant.
Genome position (GRCh38, 1-based): chr4:112,432,159, C deleted. VCF-style (leftmost placement, unchanged base first): chr4-112432158-TC-T. GRCh37 (hg19) VCF-style: chr4-113353314-TC-T.
Other names: c.2612del, p.Ser871fs (NM_001102406.2); c.2378del, p.Ser793fs (NM_001253884.2); short protein forms S793fs, S871fs.
Identifiers: ClinVar variation 3647037 (VCV003647037.2).